The following is an entry in ClinVar:

NM_152564.5(VPS13B):c.6647G>T (p.Gly2216Val)

Gene: VPS13B (vacuolar protein sorting 13 homolog B; plus strand). Cytogenetic location: 8q22.2.
Variant type: single nucleotide variant.
Coding change: c.6647G>T on transcript NM_152564.5 (MANE Select); coding-DNA position 6647, G replaced by T.
Protein change: p.Gly2216Val; replaces glycine 2216 with valine.
Molecular consequence: missense variant.
Genome position (GRCh38, 1-based): chr8:99,717,363, G>T. VCF-style: chr8-99717363-G-T. GRCh37 (hg19) VCF-style: chr8-100729591-G-T.
Other names: c.6722G>T, p.Gly2241Val (NM_017890.5); short protein forms G2216V, G2241V.
Identifiers: ClinVar variation 4990690 (VCV004990690.1).

ClinVar aggregate classification (germline): Uncertain significance (1 of 4 stars; one submission).

Conditions:
VPS13B-related disorder. Also called: VPS13B-related condition.

Submission:

PreventionGenetics, part of Exact Sciences
Classification: Uncertain significance for VPS13B-related condition. Last evaluated: 2026-05-12. Review status: criteria provided, single submitter. Criteria: ACMG Guidelines, 2015. Collection method: clinical testing. Allele origin: germline.
Comment: The VPS13B c.6647G>T variant is predicted to result in the amino acid substitution p.Gly2216Val. To our knowledge, this variant has not been reported in the literature or in a large population database (gnomAD), indicating this variant is rare. At this time, the clinical significance of this variant is uncertain due to the absence of conclusive functional and genetic evidence.